The following is an entry in ClinVar:

ClinVar aggregate classification (germline): Likely benign (1 of 4 stars; one submission).

Submission:

CeGaT Center for Human Genetics Tuebingen
Classification: Likely benign. Last evaluated: 2022-03-01. Review status: criteria provided, single submitter. Criteria: CeGaT Center For Human Genetics Tuebingen Variant Classification Criteria Version 2. Collection method: clinical testing. Allele origin: germline. Affected: yes. Observed: 1 variant allele.
Comment: SLC35A2: BP4, BP7

NM_005660.3(SLC35A2):c.288C>T (p.His96=)

Gene: SLC35A2 (solute carrier family 35 member A2; minus strand). Cytogenetic location: Xp11.23.
Variant type: single nucleotide variant.
Coding change: c.288C>T on transcript NM_005660.3 (MANE Select); coding-DNA position 288, C replaced by T.
Protein change: p.His96=; no amino-acid change (histidine 96 retained).
Molecular consequence: synonymous variant.
Genome position (GRCh38, 1-based): chrX:48,906,530, G>A on the plus strand (C>T on the coding strand, the complement: SLC35A2 is on the minus strand). VCF-style: chrX-48906530-G-A. GRCh37 (hg19) VCF-style: chrX-48763807-G-A.
Other names: c.372C>T, p.His124= (NM_001282651.2); c.288C>T, p.His96= (NM_001032289.3, NM_001042498.3, NM_001282647.2); c.216C>T, p.His72= (NM_001282648.2); c.105C>T, p.His35= (NM_001282649.2); c.327C>T, p.His109= (NM_001282650.2).
Identifiers: ClinVar variation 2660487 (VCV002660487.24), dbSNP rs1470094127, ClinGen allele CA516032789.